The following is an entry in ClinVar:

ClinVar aggregate classification (germline): Conflicting classifications of pathogenicity. Review status: criteria provided, conflicting classifications (1 of 4 stars). 3 submissions from 3 submitters: Uncertain significance (1); Likely benign (2). Last evaluated 2025-11-17.

Conditions:
Medulloblastoma (MDB). Also called: Medulloblastoma, somatic; MEDULLOBLASTOMA PREDISPOSITION SYNDROME. Identifiers: Orphanet 616, MedGen C0025149, MeSH D008527, MONDO:0007959, OMIM 155255, HP:0002885.
Gorlin syndrome. Also called: Nevoid Basal Cell Carcinoma Syndrome; Basal cell nevus syndrome. Identifiers: Orphanet 377, MedGen C0004779, MONDO:0007187.
Hereditary cancer-predisposing syndrome. Also called: Tumor predisposition; Neoplastic Syndromes, Hereditary; Hereditary Cancer Syndrome; Hereditary neoplastic syndrome. Identifiers: Orphanet 140162, MedGen C0027672, MeSH D009386, MONDO:0015356.

Allele frequency attached by ClinVar (database versions not stated): TOPMed below 0.00001.

Submissions (3):

Labcorp Genetics (formerly Invitae), Labcorp
Classification: Likely benign for Gorlin syndrome; Medulloblastoma. Last evaluated: 2025-11-17. Review status: criteria provided, single submitter. Criteria: Invitae Variant Classification Sherloc (09022015). Collection method: clinical testing. Allele origin: germline.

Quest Diagnostics Nichols Institute San Juan Capistrano
Classification: Uncertain significance. Last evaluated: 2025-03-21. Review status: criteria provided, single submitter. Criteria: Quest Diagnostics criteria. Collection method: clinical testing. Allele origin: unknown.
Comment: The SUFU c.832C>T (p.Leu278=) synonymous variant has not been reported in individuals with SUFU-related conditions in the published literature. It also has not been reported in large, multi-ethnic general populations (Genome Aggregation Database). Analysis of this variant using software algorithms for the prediction of the effect of nucleotide changes on splicing yielded predictions that this variant does not affect SUFU mRNA splicing. Based on the available information, we are unable to determine the clinical significance of this variant.

Ambry Genetics
Classification: Likely benign for Hereditary cancer-predisposing syndrome. Last evaluated: 2018-12-14. Review status: criteria provided, single submitter. Criteria: Ambry Variant Classification Scheme 2023. Collection method: clinical testing. Allele origin: germline.

NM_016169.4(SUFU):c.832C>T (p.Leu278=)

Gene: SUFU (SUFU negative regulator of hedgehog signaling; plus strand). Cytogenetic location: 10q24.32.
Variant type: single nucleotide variant.
Coding change: c.832C>T on transcript NM_016169.4 (MANE Select); coding-DNA position 832, C replaced by T.
Protein change: p.Leu278=; no amino-acid change (leucine 278 retained).
Molecular consequence: synonymous variant.
Genome position (GRCh38, 1-based): chr10:102,597,215, C>T. VCF-style: chr10-102597215-C-T. GRCh37 (hg19) VCF-style: chr10-104356972-C-T.
Other names: c.832C>T, p.Leu278= (NM_001178133.2).
Identifiers: ClinVar variation 413905 (VCV000413905.17), dbSNP rs1060504147, ClinGen allele CA16612823.